The following is an entry in ClinVar:

NM_002317.7(LOX):c.88C>T (p.Gln30Ter)

Genes: LOX (lysyl oxidase; minus strand), SRFBP1 (serum response factor binding protein 1; plus strand). Cytogenetic location: 5q23.1.
Variant type: single nucleotide variant.
Coding change: c.88C>T on transcript NM_002317.7 (MANE Select); coding-DNA position 88, C replaced by T.
Protein change: p.Gln30Ter; replaces glutamine 30 with a stop codon.
Molecular consequence: nonsense.
Genome position (GRCh38, 1-based): chr5:122,077,898, G>A on the plus strand (C>T on the coding strand, the complement: LOX is on the minus strand). VCF-style: chr5-122077898-G-A. GRCh37 (hg19) VCF-style: chr5-121413593-G-A.
Other names: c.88C>T (NM_002317.5); short protein forms Q30*.
Identifiers: ClinVar variation 2031883 (VCV002031883.5), dbSNP rs2532918329, ClinGen allele CA360878512.

ClinVar aggregate classification (germline): Pathogenic/Likely pathogenic. Review status: criteria provided, multiple submitters, no conflicts (2 of 4 stars). 2 submissions from 2 submitters: Pathogenic (1); Likely pathogenic (1). Last evaluated 2026-06-29.

Conditions:
Cardiovascular phenotype. Identifiers: MedGen CN230736.

gnomAD v4.1: 1 of 1,519,048 alleles (0.000066%); highest among the groups gnomAD compares: South Asian, 0.0013%; no homozygotes.

Submissions (2):

Ambry Genetics
Classification: Likely pathogenic for Cardiovascular phenotype. Last evaluated: 2026-06-29. Review status: criteria provided, single submitter. Criteria: Ambry Variant Classification Scheme 2023. Collection method: clinical testing. Allele origin: germline.
Comment: The p.Q30* variant (also known as c.88C>T), located in coding exon 1 of the LOX gene, results from a C to T substitution at nucleotide position 88. This changes the amino acid from a glutamine to a stop codon within coding exon 1. The predicted stop codon occurs in the 5&rsquo; end of thegene. Premature termination codons in the 5&rsquo; end of a gene have been reported to escape nonsense-mediated mRNAdecay and/or lead to re-initiation (Rivas et al. Science. 2015 May 8;348(6235):666-9; Lindeboom et al. Nat Genet. 2016 Oct;48(10):1112-8; Rhee et al. Sci Rep. 2017 May 10;7(1):1653). Direct evidence for this variant is unavailable, however premature termination codons are typically deleterious in nature. This variant is considered to be rare based on population cohorts in the Genome Aggregation Database (gnomAD). Based on the majority of available evidence to date, this variant is likely to be pathogenic.

Labcorp Genetics (formerly Invitae), Labcorp
Classification: Pathogenic. Last evaluated: 2024-03-12. Review status: criteria provided, single submitter. Criteria: Invitae Variant Classification Sherloc (09022015). Collection method: clinical testing. Allele origin: germline.
Comment: This sequence change creates a premature translational stop signal (p.Gln30*) in the LOX gene. It is expected to result in an absent or disrupted protein product. Loss-of-function variants in LOX are known to be pathogenic (PMID: 12417550, 26838787, 27432961). This variant is not present in population databases (gnomAD no frequency). This variant has not been reported in the literature in individuals affected with LOX-related conditions. ClinVar contains an entry for this variant (Variation ID: 2031883). For these reasons, this variant has been classified as Pathogenic.

Literature cited by the submitters: PubMed 12417550 (cited by Labcorp Genetics (formerly Invitae), Labcorp); PubMed 26838787 (cited by Labcorp Genetics (formerly Invitae), Labcorp); PubMed 27432961 (cited by Labcorp Genetics (formerly Invitae), Labcorp).